The following is an entry in ClinVar:

ClinVar aggregate classification (germline): Uncertain significance. Review status: criteria provided, multiple submitters, no conflicts (2 of 4 stars). 2 submissions from 2 submitters: Uncertain significance (2). Last evaluated 2020-12-22.

Conditions:
Emery-Dreifuss muscular dystrophy 5, autosomal dominant (EDMD5). Also called: EMERY-DREIFUSS MUSCULAR DYSTROPHY 5. Identifiers: Orphanet 261, MedGen C2751805, MONDO:0013072, OMIM 612999.

Allele frequency attached by ClinVar (database versions not stated): TOPMed below 0.00001.

Submissions (2):

Labcorp Genetics (formerly Invitae), Labcorp
Classification: Uncertain significance for Emery-Dreifuss muscular dystrophy 5, autosomal dominant. Last evaluated: 2020-12-22. Review status: criteria provided, single submitter. Criteria: Invitae Variant Classification Sherloc (09022015). Collection method: clinical testing. Allele origin: germline.
Comment: This sequence change affects a donor splice site in intron 19 of the SYNE2 gene. It is expected to disrupt RNA splicing. Variants that disrupt the donor or acceptor splice site typically lead to a loss of protein function (PMID: 16199547), however the current clinical and genetic evidence is not sufficient to establish whether loss-of-function variants in SYNE2 cause disease. This variant is not present in population databases (ExAC no frequency). This variant has not been reported in the literature in individuals with SYNE2-related conditions. Algorithms developed to predict the effect of sequence changes on RNA splicing suggest that this variant may disrupt the consensus splice site, but this prediction has not been confirmed by published transcriptional studies. In summary, the available evidence is currently insufficient to determine the role of this variant in disease. Therefore, it has been classified as a Variant of Uncertain Significance.

Revvity Omics, Revvity
Classification: Uncertain significance for Emery-Dreifuss muscular dystrophy 5, autosomal dominant. Last evaluated: 2019-12-09. Review status: criteria provided, single submitter. Criteria: ACMG Guidelines, 2015. Collection method: clinical testing. Allele origin: germline.

Literature cited by the submitters: PubMed 16199547 (cited by Labcorp Genetics (formerly Invitae), Labcorp).

NM_182914.3(SYNE2):c.2313+1G>A

Gene: SYNE2 (spectrin repeat containing nuclear envelope protein 2; plus strand). Cytogenetic location: 14q23.2.
Variant type: single nucleotide variant.
Coding change: c.2313+1G>A on transcript NM_182914.3 (MANE Select); the canonical splice donor site of the intron after coding-DNA position 2313, G replaced by A.
Molecular consequence: splice donor variant.
Genome position (GRCh38, 1-based): chr14:63,986,618, G>A. VCF-style: chr14-63986618-G-A. GRCh37 (hg19) VCF-style: chr14-64453336-G-A.
Other names: c.2313+1G>A (NM_015180.6).
Identifiers: ClinVar variation 1358718 (VCV001358718.10), dbSNP rs2096627723, ClinGen allele CA389970477.
Genomic context (GRCh38, chr14:63,986,618, plus strand): 5'-GAAGCCAAATCTGTTTTGGATCAAGATGATGTGGACACCTCAATGGAAGAATCTTTGAAG[G>A]TATGTGTGTAAAAGTATTAAGAGGGTACTTTCATGGTTGTGCATTTATGTTTTAAGTTAA-3'